The following is an entry in ClinVar:

NM_000268.4(NF2):c.1459A>G (p.Ile487Val)

Gene: NF2 (NF2, moesin-ezrin-radixin like (MERLIN) tumor suppressor; plus strand). Cytogenetic location: 22q12.2.
Variant type: single nucleotide variant.
Coding change: c.1459A>G on transcript NM_000268.4 (MANE Select); coding-DNA position 1459, A replaced by G.
Protein change: p.Ile487Val; replaces isoleucine 487 with valine.
Molecular consequence: missense variant. On other transcripts: non-coding transcript variant (1), intron variant (1).
Genome position (GRCh38, 1-based): chr22:29,678,208, A>G. VCF-style: chr22-29678208-A-G. GRCh37 (hg19) VCF-style: chr22-30074197-A-G.
Other names: c.1459A>G, p.Ile487Val (NM_016418.5, NM_181825.3, NM_181832.3); c.1333A>G, p.Ile445Val (NM_181828.3); c.1336A>G, p.Ile446Val (NM_181829.3); c.1210A>G, p.Ile404Val (NM_181830.3, NM_181831.3); c.448-16544A>G (NM_181833.3); short protein forms I404V, I446V, I487V, I445V.
Identifiers: ClinVar variation 1382258 (VCV001382258.9), dbSNP rs147506929, ClinGen allele CA031714.
Genomic context (GRCh38, chr22:29,678,208, plus strand): 5'-CTGTGCTTGTATGACCCAAGCTCCTAATCCGAAATTTCTCATTAACAGCCCATGAACCCA[A>G]TTCCAGCACCGTTGCCTCCTGACATACCAAGCTTCAACCTCATTGGTGACAGCCTGTCTT-3'
Protein context (NP_000259.1, residues 477-497): TKPTYPPMNP[Ile487Val]PAPLPPDIPS

ClinVar aggregate classification (germline): Conflicting classifications of pathogenicity. Review status: criteria provided, conflicting classifications (1 of 4 stars). 3 submissions from 3 submitters: Uncertain significance (1); Likely benign (2). Last evaluated 2025-09-17.

Conditions:
Hereditary cancer-predisposing syndrome. Also called: Tumor predisposition; Neoplastic Syndromes, Hereditary; Hereditary Cancer Syndrome; Hereditary neoplastic syndrome. Identifiers: Orphanet 140162, MedGen C0027672, MeSH D009386, MONDO:0015356.
Neurofibromatosis, type 2 (SWNV). Also called: BILATERAL ACOUSTIC NEUROFIBROMATOSIS; NF2-Related Schwannomatosis; SCHWANNOMATOSIS, VESTIBULAR. Identifiers: Orphanet 637, MedGen C0027832, MONDO:0007039, OMIM 101000. Disease mechanism: loss of function.

Allele frequency attached by ClinVar (database versions not stated): ExAC 0.00001; gnomAD exomes 0.00001; ESP Exome Variant Server 0.00008.
gnomAD v4.1: 5 of 1,613,964 alleles (0.00031%); highest among the groups gnomAD compares: African/African-American, 0.0027%; no homozygotes.

Submissions (3):

Color Diagnostics, LLC DBA Color Health
Classification: Likely benign for Neurofibromatosis, type 2. Last evaluated: 2025-09-17. Review status: criteria provided, single submitter. Criteria: ACMG Guidelines, 2015. Collection method: clinical testing. Allele origin: germline.

Labcorp Genetics (formerly Invitae), Labcorp
Classification: Uncertain significance for Neurofibromatosis, type 2. Last evaluated: 2024-11-26. Review status: criteria provided, single submitter. Criteria: Invitae Variant Classification Sherloc (09022015). Collection method: clinical testing. Allele origin: germline.
Comment: This sequence change replaces isoleucine, which is neutral and non-polar, with valine, which is neutral and non-polar, at codon 487 of the NF2 protein (p.Ile487Val). This variant is not present in population databases (gnomAD no frequency). This variant has not been reported in the literature in individuals affected with NF2-related conditions. ClinVar contains an entry for this variant (Variation ID: 1382258). Invitae Evidence Modeling of protein sequence and biophysical properties (such as structural, functional, and spatial information, amino acid conservation, physicochemical variation, residue mobility, and thermodynamic stability) indicates that this missense variant is not expected to disrupt NF2 protein function with a negative predictive value of 80%. In summary, the available evidence is currently insufficient to determine the role of this variant in disease. Therefore, it has been classified as a Variant of Uncertain Significance.

Ambry Genetics
Classification: Likely benign for Hereditary cancer-predisposing syndrome. Last evaluated: 2023-09-08. Review status: criteria provided, single submitter. Criteria: Ambry Variant Classification Scheme 2023. Collection method: clinical testing. Allele origin: germline.